The following is an entry in ClinVar:

ClinVar aggregate classification (germline): Uncertain significance. Review status: criteria provided, multiple submitters, no conflicts (2 of 4 stars). 2 submissions from 2 submitters: Uncertain significance (2). Last evaluated 2024-02-23.

Allele frequency attached by ClinVar (database versions not stated): gnomAD exomes below 0.00001.
gnomAD v4.1: 1 of 1,584,958 alleles (0.000063%); highest among the groups gnomAD compares: Admixed American, 0.0018%; no homozygotes.

Submissions (2):

Labcorp Genetics (formerly Invitae), Labcorp
Classification: Uncertain significance. Last evaluated: 2024-02-23. Review status: criteria provided, single submitter. Criteria: Invitae Variant Classification Sherloc (09022015). Collection method: clinical testing. Allele origin: germline.
Comment: This sequence change replaces threonine, which is neutral and polar, with isoleucine, which is neutral and non-polar, at codon 2907 of the ADGRV1 protein (p.Thr2907Ile). The frequency data for this variant in the population databases is considered unreliable, as metrics indicate poor data quality at this position in the gnomAD database. This variant has not been reported in the literature in individuals affected with ADGRV1-related conditions. ClinVar contains an entry for this variant (Variation ID: 1384661). Advanced modeling of protein sequence and biophysical properties (such as structural, functional, and spatial information, amino acid conservation, physicochemical variation, residue mobility, and thermodynamic stability) performed at Invitae indicates that this missense variant is not expected to disrupt ADGRV1 protein function with a negative predictive value of 95%. In summary, the available evidence is currently insufficient to determine the role of this variant in disease. Therefore, it has been classified as a Variant of Uncertain Significance.

Blueprint Genetics
Classification: Uncertain significance. Last evaluated: 2017-08-10. Review status: criteria provided, single submitter. Criteria: ACMG Guidelines, 2015. Collection method: clinical testing. Allele origin: germline.

NM_032119.4(ADGRV1):c.8720C>T (p.Thr2907Ile)

Gene: ADGRV1 (adhesion G protein-coupled receptor V1; plus strand). Cytogenetic location: 5q14.3.
Variant type: single nucleotide variant.
Coding change: c.8720C>T on transcript NM_032119.4 (MANE Select); coding-DNA position 8720, C replaced by T.
Protein change: p.Thr2907Ile; replaces threonine 2907 with isoleucine.
Molecular consequence: missense variant. On other transcripts: non-coding transcript variant (1).
Genome position (GRCh38, 1-based): chr5:90,706,384, C>T. VCF-style: chr5-90706384-C-T. GRCh37 (hg19) VCF-style: chr5-90002201-C-T.
Other names: short protein forms T2907I.
Identifiers: ClinVar variation 1384661 (VCV001384661.6), dbSNP rs1244216372, ClinGen allele CA360392450.